The following is an entry in ClinVar:

ClinVar aggregate classification (germline): Conflicting classifications of pathogenicity. Review status: criteria provided, conflicting classifications (1 of 4 stars). 3 submissions from 3 submitters: Uncertain significance (1); Likely benign (2). Last evaluated 2024-12-09.

Conditions:
Hypomyelination with brain stem and spinal cord involvement and leg spasticity. Also called: ASPARTYL-tRNA SYNTHETASE DEFICIENCY; Hypomyelination with brainstem and spinal cord involvement and leg spasticity. Identifiers: Orphanet 363412, MedGen C4755254, MONDO:0014115, OMIM 615281.

Allele frequency attached by ClinVar (database versions not stated): gnomAD exomes 0.00002 and 0.00006; ExAC 0.00003; TOPMed 0.00005; gnomAD 0.00006.
gnomAD v4.1: 54 of 944,294 alleles (0.0057%); highest among the groups gnomAD compares: Non-Finnish European, 0.0083%; no homozygotes.

Submissions (3):

Labcorp Genetics (formerly Invitae), Labcorp
Classification: Likely benign. Last evaluated: 2024-12-09. Review status: criteria provided, single submitter. Criteria: Invitae Variant Classification Sherloc (09022015). Collection method: clinical testing. Allele origin: germline.

Baylor Genetics
Classification: Uncertain significance for Hypomyelination with brain stem and spinal cord involvement and leg spasticity. Last evaluated: 2018-02-13. Review status: criteria provided, single submitter. Criteria: ACMG Guidelines, 2015. Collection method: clinical testing. Allele origin: paternal. Affected: yes.
Comment: This variant was determined to be of uncertain significance according to ACMG Guidelines, 2015 [PMID:25741868].

GeneDx
Classification: Likely benign. Last evaluated: 2017-10-05. Review status: criteria provided, single submitter. Criteria: GeneDx Variant Classification (06012015). Collection method: clinical testing. Allele origin: germline. Affected: yes.
Comment: This variant is considered likely benign or benign based on one or more of the following criteria: it is a conservative change, it occurs at a poorly conserved position in the protein, it is predicted to be benign by multiple in silico algorithms, and/or has population frequency not consistent with disease.

NM_001349.4(DARS1):c.125-18C>T

Gene: DARS1 (aspartyl-tRNA synthetase 1; minus strand). Cytogenetic location: 2q21.3.
Variant type: single nucleotide variant.
Coding change: c.125-18C>T on transcript NM_001349.4 (MANE Select); 18 bases into the intron before coding-DNA position 125, C replaced by T.
Molecular consequence: intron variant.
Genome position (GRCh38, 1-based): chr2:135,979,384, G>A on the plus strand (C>T on the coding strand, the complement: DARS1 is on the minus strand). VCF-style: chr2-135979384-G-A. GRCh37 (hg19) VCF-style: chr2-136736954-G-A.
Other names: c.-176-18C>T (NM_001293312.1).
Identifiers: ClinVar variation 512090 (VCV000512090.6), dbSNP rs777497235, ClinGen allele CA1889934.